The following is an entry in ClinVar:

NM_000384.3(APOB):c.8783C>T (p.Ser2928Leu)

Gene: APOB (apolipoprotein B; minus strand). Cytogenetic location: 2p24.1.
Variant type: single nucleotide variant.
Coding change: c.8783C>T on transcript NM_000384.3 (MANE Select); coding-DNA position 8783, C replaced by T.
Protein change: p.Ser2928Leu; replaces serine 2928 with leucine.
Molecular consequence: missense variant.
Genome position (GRCh38, 1-based): chr2:21,008,085, G>A on the plus strand (C>T on the coding strand, the complement: APOB is on the minus strand). VCF-style: chr2-21008085-G-A. GRCh37 (hg19) VCF-style: chr2-21230957-G-A.
Other names: short protein forms S2928L.
Identifiers: ClinVar variation 1330910 (VCV001330910.7), dbSNP rs2103353879, ClinGen allele CA345993382.

ClinVar aggregate classification (germline): Uncertain significance (1 of 4 stars; one submission).

Submission:

ARUP Laboratories, Molecular Genetics and Genomics, ARUP Laboratories
Classification: Uncertain significance. Last evaluated: 2021-06-11. Review status: criteria provided, single submitter. Criteria: ARUP Molecular Germline Variant Investigation Process 2021. Collection method: clinical testing. Allele origin: germline.
Comment: The APOB c.8783C>T; p.Ser2928Leu variant, to our knowledge, is not reported in the medical literature or gene-specific databases. This variant is also absent from general population databases (Exome Variant Server, Genome Aggregation Database), indicating it is not a common polymorphism. The serine at codon 2928 is moderately conserved, and computational analyses predict that this variant is neutral (REVEL: 0.129). However, due to limited information, the clinical significance of the p.Ser2928Leu variant is uncertain at this time.